The following is an entry in ClinVar:

NM_015102.5(NPHP4):c.1843C>T (p.Gln615Ter)

Gene: NPHP4 (nephrocystin 4; minus strand). Cytogenetic location: 1p36.31.
Variant type: single nucleotide variant.
Coding change: c.1843C>T on transcript NM_015102.5 (MANE Select); coding-DNA position 1843, C replaced by T.
Protein change: p.Gln615Ter; replaces glutamine 615 with a stop codon.
Molecular consequence: nonsense. On other transcripts: non-coding transcript variant (1).
Genome position (GRCh38, 1-based): chr1:5,905,404, G>A on the plus strand (C>T on the coding strand, the complement: NPHP4 is on the minus strand). VCF-style: chr1-5905404-G-A. GRCh37 (hg19) VCF-style: chr1-5965464-G-A.
Other names: c.304C>T, p.Gln102Ter (NM_001291593.2); c.307C>T, p.Gln103Ter (NM_001291594.2); short protein forms Q103*, Q102*, Q615*.
Identifiers: ClinVar variation 3586786 (VCV003586786.3).

ClinVar aggregate classification (germline): Pathogenic/Likely pathogenic. Review status: criteria provided, multiple submitters, no conflicts (2 of 4 stars). 2 submissions from 2 submitters: Pathogenic (1); Likely pathogenic (1). Last evaluated 2024-12-10.

Conditions:
Nephronophthisis 4 (NPHP4). Also called: NEPHRONOPHTHISIS 4, JUVENILE. Identifiers: Orphanet 655, MedGen C1847013, MONDO:0011752, OMIM 606966.
Senior-Loken syndrome 4 (SLSN4). Identifiers: Orphanet 3156, MedGen C1846979, MONDO:0011756, OMIM 606996.
Nephronophthisis. Also called: Juvenile Nephronophthisis. Identifiers: Orphanet 655, MedGen C0687120, MONDO:0019005, HP:0000090.

gnomAD v4.1: 2 of 1,613,268 alleles (0.00012%); highest among the groups gnomAD compares: African/African-American, 0.0027%; no homozygotes.

Submissions (2):

Labcorp Genetics (formerly Invitae), Labcorp
Classification: Pathogenic for Nephronophthisis. Last evaluated: 2024-12-10. Review status: criteria provided, single submitter. Criteria: Invitae Variant Classification Sherloc (09022015). Collection method: clinical testing. Allele origin: germline.
Comment: This sequence change creates a premature translational stop signal (p.Gln615*) in the NPHP4 gene. It is expected to result in an absent or disrupted protein product. Loss-of-function variants in NPHP4 are known to be pathogenic (PMID: 12205563, 23559409). This variant is present in population databases (rs372569805, gnomAD 0.007%). This variant has not been reported in the literature in individuals affected with NPHP4-related conditions. For these reasons, this variant has been classified as Pathogenic.

Fulgent Genetics
Classification: Likely pathogenic for Nephronophthisis 4; Senior-Loken syndrome 4. Last evaluated: 2024-01-23. Review status: criteria provided, single submitter. Criteria: ACMG Guidelines, 2015. Collection method: clinical testing. Allele origin: germline.

Literature cited by the submitters: PubMed 12205563 (cited by Labcorp Genetics (formerly Invitae), Labcorp); PubMed 23559409 (cited by Labcorp Genetics (formerly Invitae), Labcorp).